The following is an entry in ClinVar:

NM_000360.4(TH):c.167C>T (p.Ala56Val)

Gene: TH (tyrosine hydroxylase; minus strand). Cytogenetic location: 11p15.5.
Variant type: single nucleotide variant.
Coding change: c.167C>T on transcript NM_000360.4 (MANE Select); coding-DNA position 167, C replaced by T.
Protein change: p.Ala56Val; replaces alanine 56 with valine.
Molecular consequence: missense variant.
Genome position (GRCh38, 1-based): chr11:2,169,795, G>A on the plus strand (C>T on the coding strand, the complement: TH is on the minus strand). VCF-style: chr11-2169795-G-A. GRCh37 (hg19) VCF-style: chr11-2191025-G-A.
Other names: c.260C>T, p.Ala87Val (NM_199292.3); c.248C>T, p.Ala83Val (NM_199293.3); short protein forms A83V, A56V, A87V.
Identifiers: ClinVar variation 843655 (VCV000843655.6), dbSNP rs745974715, ClinGen allele CA5818779.

ClinVar aggregate classification (germline): Uncertain significance. Review status: criteria provided, multiple submitters, no conflicts (2 of 4 stars). 3 submissions from 3 submitters: Uncertain significance (2). 1 of the submissions does not count toward it. Last evaluated 2024-12-17.

Conditions:
TH-deficient dopa-responsive dystonia. Also called: Segawa syndrome, autosomal recessive; Tyrosine Hydroxylase-Deficient Dopa-Responsive Dystonia; DYT-TH. Identifiers: Orphanet 101150, MedGen C2673535, MONDO:0011551, OMIM 605407.
Inborn genetic diseases. Identifiers: MedGen C0950123, MeSH D030342.

Allele frequency attached by ClinVar (database versions not stated): ExAC 0.00001; gnomAD 0.00007 and 0.00006; gnomAD exomes 0.00001; TOPMed 0.00017.
gnomAD v4.1: 33 of 1,610,996 alleles (0.002%); highest among the groups gnomAD compares: African/African-American, 0.012%; no homozygotes.

Submissions (3):

Labcorp Genetics (formerly Invitae), Labcorp
Classification: Uncertain significance for TH-deficient dopa-responsive dystonia. Last evaluated: 2024-12-17. Review status: criteria provided, single submitter. Criteria: Invitae Variant Classification Sherloc (09022015). Collection method: clinical testing. Allele origin: germline.
Comment: This sequence change replaces alanine, which is neutral and non-polar, with valine, which is neutral and non-polar, at codon 87 of the TH protein (p.Ala87Val). This variant is present in population databases (rs745974715, gnomAD 0.006%). This variant has not been reported in the literature in individuals affected with TH-related conditions. ClinVar contains an entry for this variant (Variation ID: 843655). Invitae Evidence Modeling of protein sequence and biophysical properties (such as structural, functional, and spatial information, amino acid conservation, physicochemical variation, residue mobility, and thermodynamic stability) has been performed for this missense variant. However, the output from this modeling did not meet the statistical confidence thresholds required to predict the impact of this variant on TH protein function. In summary, the available evidence is currently insufficient to determine the role of this variant in disease. Therefore, it has been classified as a Variant of Uncertain Significance.

Ambry Genetics
Classification: Uncertain significance for Inborn genetic diseases. Last evaluated: 2023-10-10. Review status: criteria provided, single submitter. Criteria: Ambry Variant Classification Scheme 2023. Collection method: clinical testing. Allele origin: germline.

Natera, Inc.
Classification: Uncertain significance for Autosomal recessive Segawa syndrome. Last evaluated: 2020-03-17. Review status: no assertion criteria provided. Collection method: clinical testing. Allele origin: germline. Not counted in ClinVar's aggregate classification.